The following is an entry in ClinVar:

ClinVar aggregate classification (germline): Uncertain significance. Review status: criteria provided, multiple submitters, no conflicts (2 of 4 stars). 2 submissions from 2 submitters: Uncertain significance (2). Last evaluated 2022-01-14.

Conditions:
Mucopolysaccharidosis type 6 (MPS6). Also called: ARSB DEFICIENCY; ARYLSULFATASE B DEFICIENCY; MPS VI; N-ACETYLGALACTOSAMINE-4-SULFATASE DEFICIENCY; MPS 6; Maroteaux Lamy syndrome. Identifiers: Orphanet 583, MedGen C0026709, MONDO:0009661, OMIM 253200.

Allele frequency attached by ClinVar (database versions not stated): gnomAD below 0.00001 and 0.00005; gnomAD exomes 0.00009 and 0.00017; ExAC 0.00016; 1000 Genomes Project 0.00080; 1000 Genomes Project 30x 0.00094.
gnomAD v4.1: 141 of 1,614,176 alleles (0.0087%); highest among the groups gnomAD compares: South Asian, 0.15%; 3 homozygotes.

Submissions (2):

Labcorp Genetics (formerly Invitae), Labcorp
Classification: Uncertain significance for Mucopolysaccharidosis type 6. Last evaluated: 2022-01-14. Review status: criteria provided, single submitter. Criteria: Invitae Variant Classification Sherloc (09022015). Collection method: clinical testing. Allele origin: germline.
Comment: This sequence change replaces histidine, which is basic and polar, with asparagine, which is neutral and polar, at codon 264 of the ARSB protein (p.His264Asn). This variant is present in population databases (rs558569339, gnomAD 0.1%). This variant has not been reported in the literature in individuals affected with ARSB-related conditions. ClinVar contains an entry for this variant (Variation ID: 354311). Advanced modeling of protein sequence and biophysical properties (such as structural, functional, and spatial information, amino acid conservation, physicochemical variation, residue mobility, and thermodynamic stability) performed at Invitae indicates that this missense variant is expected to disrupt ARSB protein function. In summary, the available evidence is currently insufficient to determine the role of this variant in disease. Therefore, it has been classified as a Variant of Uncertain Significance.

Illumina Laboratory Services, Illumina
Classification: Uncertain significance for Mucopolysaccharidosis type 6. Last evaluated: 2018-01-13. Review status: criteria provided, single submitter. Criteria: ICSL Variant Classification Criteria 13 December 2019. Collection method: clinical testing. Allele origin: germline.

NM_000046.5(ARSB):c.790C>A (p.His264Asn)

Gene: ARSB (arylsulfatase B; minus strand). Cytogenetic location: 5q14.1.
Variant type: single nucleotide variant.
Coding change: c.790C>A on transcript NM_000046.5 (MANE Select); coding-DNA position 790, C replaced by A.
Protein change: p.His264Asn; replaces histidine 264 with asparagine.
Molecular consequence: missense variant.
Genome position (GRCh38, 1-based): chr5:78,955,403, G>T on the plus strand (C>A on the coding strand, the complement: ARSB is on the minus strand). VCF-style: chr5-78955403-G-T. GRCh37 (hg19) VCF-style: chr5-78251226-G-T.
Other names: c.790C>A, p.His264Asn (NM_198709.3); short protein forms H264N.
Identifiers: ClinVar variation 354311 (VCV000354311.7), dbSNP rs558569339, ClinGen allele CA3318178.